The following is an entry in ClinVar:

NM_006947.4(SRP72):c.1485T>A (p.Asp495Glu)

Gene: SRP72 (signal recognition particle 72; plus strand). Cytogenetic location: 4q12.
Variant type: single nucleotide variant.
Coding change: c.1485T>A on transcript NM_006947.4 (MANE Select); coding-DNA position 1485, T replaced by A.
Protein change: p.Asp495Glu; replaces aspartic acid 495 with glutamic acid.
Molecular consequence: missense variant. On other transcripts: non-coding transcript variant (1).
Genome position (GRCh38, 1-based): chr4:56,490,628, T>A. VCF-style: chr4-56490628-T-A. GRCh37 (hg19) VCF-style: chr4-57356794-T-A.
Other names: c.1302T>A, p.Asp434Glu (NM_001267722.2); short protein forms D434E, D495E.
Identifiers: ClinVar variation 4589571 (VCV004589571.1).

ClinVar aggregate classification (germline): Uncertain significance (1 of 4 stars; one submission).

Submission:

Ambry Genetics
Classification: Uncertain significance. Last evaluated: 2025-09-18. Review status: criteria provided, single submitter. Criteria: Ambry Variant Classification Scheme 2023. Collection method: clinical testing. Allele origin: germline.
Comment: The p.D495E variant (also known as c.1485T>A), located in coding exon 15 of the SRP72 gene, results from a T to A substitution at nucleotide position 1485. The aspartic acid at codon 495 is replaced by glutamic acid, an amino acid with highly similar properties. This amino acid position is conserved. In addition, this alteration is predicted to be deleterious by in silico analysis. Based on the available evidence, the clinical significance of this variant remains unclear.